The following is an entry in ClinVar:

ClinVar aggregate classification (germline): Pathogenic. Review status: criteria provided, multiple submitters, no conflicts (2 of 4 stars). 2 submissions from 2 submitters: Pathogenic (2). Last evaluated 2023-11-22.

Conditions:
Isovaleryl-CoA dehydrogenase deficiency (IVA). Also called: ISOVALERIC ACID CoA DEHYDROGENASE DEFICIENCY; Isovaleric acidemia; IVD DEFICIENCY; Classic Isovaleric Acidemia. Identifiers: Orphanet 33, MedGen C0268575, MONDO:0009475, OMIM 243500.

gnomAD v4.1: 1 of 1,598,636 alleles (0.000063%); highest among the groups gnomAD compares: Non-Finnish European, 0.000085%; no homozygotes.

Submissions (2):

Baylor Genetics
Classification: Pathogenic for Isovaleryl-CoA dehydrogenase deficiency. Last evaluated: 2023-11-22. Review status: criteria provided, single submitter. Criteria: ACMG Guidelines, 2015. Collection method: clinical testing. Allele origin: unknown.

Labcorp Genetics (formerly Invitae), Labcorp
Classification: Pathogenic for Isovaleryl-CoA dehydrogenase deficiency. Last evaluated: 2023-02-16. Review status: criteria provided, single submitter. Criteria: Invitae Variant Classification Sherloc (09022015). Collection method: clinical testing. Allele origin: germline.
Comment: Studies have shown that disruption of this splice site alters IVD gene expression (PMID: 17576084). Algorithms developed to predict the effect of sequence changes on RNA splicing suggest that this variant may disrupt the consensus splice site. For these reasons, this variant has been classified as Pathogenic. Disruption of this splice site has been observed in individual(s) with isovaleric acidemia (PMID: 17576084). This sequence change affects a donor splice site in intron 1 of the IVD gene. It is expected to disrupt RNA splicing. Variants that disrupt the donor or acceptor splice site typically lead to a loss of protein function (PMID: 16199547), and loss-of-function variants in IVD are known to be pathogenic (PMID: 16602101). This variant is not present in population databases (gnomAD no frequency).

Literature cited by the submitters: PubMed 17576084 (cited by Labcorp Genetics (formerly Invitae), Labcorp); PubMed 16199547 (cited by Labcorp Genetics (formerly Invitae), Labcorp); PubMed 16602101 (cited by Labcorp Genetics (formerly Invitae), Labcorp).

NM_002225.5(IVD):c.144+1G>C

Gene: IVD (isovaleryl-CoA dehydrogenase; plus strand). Cytogenetic location: 15q15.1.
Variant type: single nucleotide variant.
Coding change: c.144+1G>C on transcript NM_002225.5 (MANE Select); the canonical splice donor site of the intron after coding-DNA position 144, G replaced by C.
Molecular consequence: splice donor variant. On other transcripts: 5 prime UTR variant (1), non-coding transcript variant (1).
Genome position (GRCh38, 1-based): chr15:40,405,972, G>C. VCF-style: chr15-40405972-G-C. GRCh37 (hg19) VCF-style: chr15-40698173-G-C.
Other names: c.-283G>C (NM_001354597.3); c.144+1G>C (NM_001354600.3, NM_001354598.3, NM_001354601.3 and 2 more transcripts).
Identifiers: ClinVar variation 2837791 (VCV002837791.4), dbSNP rs928991928, ClinGen allele CA268823642.